The following is an entry in ClinVar:

ClinVar aggregate classification (germline): Uncertain significance (1 of 4 stars; one submission).

Submission:

GeneDx
Classification: Uncertain significance. Last evaluated: 2026-01-30. Review status: criteria provided, single submitter. Criteria: GeneDx Variant Classification Process June 2021. Collection method: clinical testing. Allele origin: germline.
Comment: In silico analysis supports that this missense variant has a deleterious effect on protein structure/function; Not observed at significant frequency in large population cohorts (gnomAD); Has not been previously published as pathogenic or benign to our knowledge

NM_173483.4(CYP4F22):c.1474A>C (p.Thr492Pro)

Gene: CYP4F22 (cytochrome P450 family 4 subfamily F member 22; plus strand). Cytogenetic location: 19p13.12.
Variant type: single nucleotide variant.
Coding change: c.1474A>C on transcript NM_173483.4 (MANE Select); coding-DNA position 1474, A replaced by C.
Protein change: p.Thr492Pro; replaces threonine 492 with proline.
Molecular consequence: missense variant.
Genome position (GRCh38, 1-based): chr19:15,551,349, A>C. VCF-style: chr19-15551349-A-C. GRCh37 (hg19) VCF-style: chr19-15662160-A-C.
Other names: short protein forms T492P.
Identifiers: ClinVar variation 4975711 (VCV004975711.1).